The following is an entry in ClinVar:

NM_013275.6(ANKRD11):c.1226_1227insG (p.Asp409fs)

Gene: ANKRD11 (ankyrin repeat domain 11; minus strand). Cytogenetic location: 16q24.3.
Variant type: Insertion.
Coding change: c.1226_1227insG on transcript NM_013275.6 (MANE Select); coding-DNA positions 1226 to 1227, G inserted.
Protein change: p.Asp409fs; shifts the reading frame from aspartic acid 409.
Molecular consequence: frameshift variant.
Genome position: GRCh38 VCF-style: chr16-89285315-G-GC. GRCh37 (hg19) VCF-style: chr16-89351723-G-GC.
Other names: c.1226_1227insG, p.Asp409fs (NM_001256182.2, NM_001256183.2); short protein forms D409fs.
Identifiers: ClinVar variation 5018741 (VCV005018741.2).

ClinVar aggregate classification (germline): Likely pathogenic (1 of 4 stars; one submission).

Conditions:
KBG syndrome (KBGS). Also called: ANKRD11-Related KBG Syndrome. Identifiers: Orphanet 2332, MedGen C0220687, MONDO:0007846, OMIM 148050.

Submission:

Juno Genomics, Hangzhou Juno Genomics, Inc
Classification: Likely pathogenic for KBG syndrome. Review status: criteria provided, single submitter. Criteria: ACMG Guidelines, 2015. Collection method: clinical testing. Allele origin: germline.
Comment: Absent from controls (or at extremely low frequency if recessive) in Genome Aggregation Database.;Null variant in a gene where loss of function (LOF) is a known mechanism of disease.